The following is an entry in ClinVar:

NM_182961.4(SYNE1):c.26153+6T>C

Gene: SYNE1 (spectrin repeat containing nuclear envelope protein 1; minus strand). Cytogenetic location: 6q25.2.
Variant type: single nucleotide variant.
Coding change: c.26153+6T>C on transcript NM_182961.4 (MANE Select); 6 bases into the intron after coding-DNA position 26153, T replaced by C.
Molecular consequence: intron variant.
Genome position (GRCh38, 1-based): chr6:152,130,714, A>G on the plus strand (T>C on the coding strand, the complement: SYNE1 is on the minus strand). VCF-style: chr6-152130714-A-G. GRCh37 (hg19) VCF-style: chr6-152451849-A-G.
Other names: c.26009+6T>C (NM_033071.5); c.2700+1408T>C (NM_001347701.2); c.2687+6T>C (NM_001347702.2).
Identifiers: ClinVar variation 2019346 (VCV002019346.4), dbSNP rs2549395284, ClinGen allele CA2580075246.
Genomic context (GRCh38, chr6:152,130,714, plus strand): 5'-TCATGGACAATTTTCATCATCCTCTTGGGGTTCTAGAACAGTGTGGAAACCAGGAGAAGG[A>G]GGTACCTGCTATGTGGACTGCTGACAGAGGGTCCAGGCTGTGAGAGACTACACTTGCCTC-3'

ClinVar aggregate classification (germline): Uncertain significance (1 of 4 stars; one submission).

Conditions:
Autosomal recessive ataxia, Beauce type. Also called: SYNE1 Deficiency; Spinocerebellar ataxia, autosomal recessive 8; ATAXIA, RECESSIVE, OF BEAUCE; SYNE1-Related Autosomal Recessive Cerebellar Ataxia. Identifiers: Orphanet 88644, MedGen C1853116, MONDO:0012549, OMIM 610743.
Emery-Dreifuss muscular dystrophy 4, autosomal dominant (EDMD4). Also called: EMERY-DREIFUSS MUSCULAR DYSTROPHY 4 WITH VARIABLE FEATURES. Identifiers: Orphanet 261, MedGen C2751807, MONDO:0013071, OMIM 612998.

Submission:

Labcorp Genetics (formerly Invitae), Labcorp
Classification: Uncertain significance for Emery-Dreifuss muscular dystrophy 4, autosomal dominant; Autosomal recessive ataxia, Beauce type. Last evaluated: 2024-06-24. Review status: criteria provided, single submitter. Criteria: Invitae Variant Classification Sherloc (09022015). Collection method: clinical testing. Allele origin: germline.
Comment: This sequence change falls in intron 145 of the SYNE1 gene. It does not directly change the encoded amino acid sequence of the SYNE1 protein. It affects a nucleotide within the consensus splice site. This variant is not present in population databases (gnomAD no frequency). This variant has not been reported in the literature in individuals affected with SYNE1-related conditions. ClinVar contains an entry for this variant (Variation ID: 2019346). Variants that disrupt the consensus splice site are a relatively common cause of aberrant splicing (PMID: 17576681, 9536098). Algorithms developed to predict the effect of sequence changes on RNA splicing suggest that this variant is not likely to affect RNA splicing. In summary, the available evidence is currently insufficient to determine the role of this variant in disease. Therefore, it has been classified as a Variant of Uncertain Significance.

Literature cited by the submitters: PubMed 17576681; PubMed 9536098.